The following is an entry in ClinVar:

ClinVar aggregate classification (germline): Likely benign. Review status: criteria provided, multiple submitters, no conflicts (2 of 4 stars). 5 submissions from 5 submitters: Likely benign (3). 2 of the submissions do not count toward it. Last evaluated 2025-11-05.

Conditions:
Cystic fibrosis (CF). Also called: MUCOVISCIDOSIS. Identifiers: Orphanet 586, MedGen C0010674, MONDO:0009061, OMIM 219700. Disease mechanism: loss of function.
CFTR-related disorder (CFTR-RD). Also called: CFTR-related condition; CFTR-related disorders. Identifiers: MedGen C5924204, MONDO:7770004.

Allele frequency attached by ClinVar (database versions not stated): ExAC 0.00005; gnomAD exomes 0.00001 and 0.00005; gnomAD 0.00001; TOPMed 0.00002.
gnomAD v4.1: 18 of 1,613,020 alleles (0.0011%); highest among the groups gnomAD compares: East Asian, 0.034%; no homozygotes.

Submissions (5):

Labcorp Genetics (formerly Invitae), Labcorp
Classification: Likely benign for Cystic fibrosis. Last evaluated: 2025-11-05. Review status: criteria provided, single submitter. Criteria: Invitae Variant Classification Sherloc (09022015). Collection method: clinical testing. Allele origin: germline.

Women's Health and Genetics/Laboratory Corporation of America, LabCorp
Classification: Likely benign. Last evaluated: 2024-04-08. Review status: criteria provided, single submitter. Criteria: LabCorp Variant Classification Summary - May 2015. Collection method: clinical testing. Allele origin: germline.

Ambry Genetics
Classification: Likely benign for Cystic fibrosis. Last evaluated: 2016-02-24. Review status: criteria provided, single submitter. Criteria: Ambry Variant Classification Scheme 2023. Collection method: clinical testing. Allele origin: germline.

PreventionGenetics, part of Exact Sciences
Classification: Likely benign for CFTR-related condition. Last evaluated: 2023-03-28. Review status: no assertion criteria provided. Collection method: clinical testing. Allele origin: germline. Not counted in ClinVar's aggregate classification.
Comment: This variant is classified as likely benign based on ACMG/AMP sequence variant interpretation guidelines (Richards et al. 2015 PMID: 25741868, with internal and published modifications).

Natera, Inc.
Classification: Uncertain significance for Cystic Fibrosis. Last evaluated: 2018-12-19. Review status: no assertion criteria provided. Collection method: clinical testing. Allele origin: germline. Not counted in ClinVar's aggregate classification.

NM_000492.4(CFTR):c.2505T>C (p.Asp835=)

Gene: CFTR (CF transmembrane conductance regulator; plus strand). Cytogenetic location: 7q31.2.
Variant type: single nucleotide variant.
Coding change: c.2505T>C on transcript NM_000492.4 (MANE Select); coding-DNA position 2505, T replaced by C.
Protein change: p.Asp835=; no amino-acid change (aspartic acid 835 retained).
Molecular consequence: synonymous variant.
Genome position (GRCh38, 1-based): chr7:117,594,944, T>C. VCF-style: chr7-117594944-T-C. GRCh37 (hg19) VCF-style: chr7-117234998-T-C.
Identifiers: ClinVar variation 697056 (VCV000697056.14), dbSNP rs761043298, ClinGen allele CA4451215.